The following is an entry in ClinVar:

ClinVar aggregate classification (germline): Uncertain significance (1 of 4 stars; one submission).

Submission:

Labcorp Genetics (formerly Invitae), Labcorp
Classification: Uncertain significance. Last evaluated: 2022-08-21. Review status: criteria provided, single submitter. Criteria: Invitae Variant Classification Sherloc (09022015). Collection method: clinical testing. Allele origin: germline.
Comment: This sequence change replaces isoleucine, which is neutral and non-polar, with leucine, which is neutral and non-polar, at codon 4 of the SAR1B protein (p.Ile4Leu). This variant is not present in population databases (gnomAD no frequency). This variant has not been reported in the literature in individuals affected with SAR1B-related conditions. Algorithms developed to predict the effect of missense changes on protein structure and function (SIFT, PolyPhen-2, Align-GVGD) all suggest that this variant is likely to be tolerated. In summary, the available evidence is currently insufficient to determine the role of this variant in disease. Therefore, it has been classified as a Variant of Uncertain Significance.

NM_016103.4(SAR1B):c.10A>C (p.Ile4Leu)

Gene: SAR1B (secretion associated Ras related GTPase 1B; minus strand). Cytogenetic location: 5q31.1.
Variant type: single nucleotide variant.
Coding change: c.10A>C on transcript NM_016103.4 (MANE Select); coding-DNA position 10, A replaced by C.
Protein change: p.Ile4Leu; replaces isoleucine 4 with leucine.
Molecular consequence: missense variant.
Genome position (GRCh38, 1-based): chr5:134,624,010, T>G on the plus strand (A>C on the coding strand, the complement: SAR1B is on the minus strand). VCF-style: chr5-134624010-T-G. GRCh37 (hg19) VCF-style: chr5-133959700-T-G.
Other names: c.10A>C, p.Ile4Leu (NM_001033503.3); short protein forms I4L.
Identifiers: ClinVar variation 1943892 (VCV001943892.5), dbSNP rs1303246475, ClinGen allele CA361004542.
Genomic context (GRCh38, chr5:134,624,010, plus strand): 5'-GACCAACATTACCTAAAAACTGTAGCACACTGCTGAAACCACTGTAAATCCAATCAAATA[T>G]GAAGGACATATCCAAATCTGATAGGGTCTGAAAAAAAAGAGTTTGAATTTAGTAGTCAAC-3'
Protein context (NP_057187.1, residues 1-14): MSF[Ile4Leu]FDWIYSGFSS